The following is an entry in ClinVar:

ClinVar aggregate classification (germline): Benign (0 of 4 stars; one submission).

Conditions:
METTL13-related disorder. Also called: METTL13-related condition.

Allele frequency attached by ClinVar (database versions not stated): 1000 Genomes Project 30x 0.00344; 1000 Genomes Project 0.00379; ESP Exome Variant Server 0.00738; TOPMed 0.00765; ExAC 0.00835; gnomAD 0.00873; gnomAD exomes 0.01137.
gnomAD v4.1: 17,883 of 1,613,864 alleles (1.1%); highest among the groups gnomAD compares: Non-Finnish European, 1.3%; 136 homozygotes.

Submission:

PreventionGenetics, part of Exact Sciences
Classification: Benign for METTL13-related condition. Last evaluated: 2019-07-12. Review status: no assertion criteria provided. Collection method: clinical testing. Allele origin: germline.
Comment: This variant is classified as benign based on ACMG/AMP sequence variant interpretation guidelines (Richards et al. 2015 PMID: 25741868, with internal and published modifications).

NM_015935.5(METTL13):c.1275C>T (p.Ser425=)

Gene: METTL13 (methyltransferase 13, eEF1A N-terminus and K55; plus strand). Cytogenetic location: 1q24.3.
Variant type: single nucleotide variant.
Coding change: c.1275C>T on transcript NM_015935.5 (MANE Select); coding-DNA position 1275, C replaced by T.
Protein change: p.Ser425=; no amino-acid change (serine 425 retained).
Molecular consequence: synonymous variant.
Genome position (GRCh38, 1-based): chr1:171,787,896, C>T. VCF-style: chr1-171787896-C-T. GRCh37 (hg19) VCF-style: chr1-171757036-C-T.
Other names: c.807C>T, p.Ser269= (NM_001007239.2); c.1017C>T, p.Ser339= (NM_014955.3).
Identifiers: ClinVar variation 3042289 (VCV003042289.2), dbSNP rs2232821, ClinGen allele CA1244825.
Genomic context (GRCh38, chr1:171,787,896, plus strand): 5'-GGATGACAAGCGATACTTCCGTCGACTGATCTTCCTCAGCAACAGGAATGTGGTGCAGTC[C>T]GAAGCCAGGTTGCTGAAGGATGTGTCTCACAAAGGTGAGGTGTCATAGGCACAGTGGTGG-3'
Protein context (NP_057019.3, residues 415-435): IFLSNRNVVQ[Ser425=]EARLLKDVSH